The following is an entry in ClinVar:

ClinVar aggregate classification (germline): Likely benign. Review status: criteria provided, multiple submitters, no conflicts (2 of 4 stars). 5 submissions from 5 submitters: Likely benign (5). Last evaluated 2025-12-16.

Conditions:
Cardiovascular phenotype. Identifiers: MedGen CN230736.
Cardiomyopathy (CMYO). Also called: Cardiomyopathies. Identifiers: Orphanet 167848, MedGen C0878544, MONDO:0004994, HP:0001638. Inheritance: Various modes of inheritance.
Hypertrophic cardiomyopathy. Also called: HYPERTROPHIC MYOCARDIOPATHY. Identifiers: Orphanet 217569, MedGen C0007194, MeSH D002312, MONDO:0005045, HP:0001639.

Allele frequency attached by ClinVar (database versions not stated): TOPMed below 0.00001; ExAC 0.00001; gnomAD 0.00001; 1000 Genomes Project 0.00040; 1000 Genomes Project 30x 0.00047.
gnomAD v4.1: 17 of 1,610,744 alleles (0.0011%); highest among the groups gnomAD compares: Admixed American, 0.027%; no homozygotes.

Submissions (5):

Labcorp Genetics (formerly Invitae), Labcorp
Classification: Likely benign for Hypertrophic cardiomyopathy. Last evaluated: 2025-12-16. Review status: criteria provided, single submitter. Criteria: Invitae Variant Classification Sherloc (09022015). Collection method: clinical testing. Allele origin: germline.

Ambry Genetics
Classification: Likely benign for Cardiovascular phenotype. Last evaluated: 2025-06-01. Review status: criteria provided, single submitter. Criteria: Ambry Variant Classification Scheme 2023. Collection method: clinical testing. Allele origin: germline.

All of Us Research Program, National Institutes of Health
Classification: Likely benign for Hypertrophic cardiomyopathy. Last evaluated: 2024-02-05. Review status: criteria provided, single submitter. Criteria: ACMG Guidelines, 2015. Collection method: clinical testing. Allele origin: germline. Inheritance: Autosomal dominant inheritance. Observed: 3 variant alleles, 3 heterozygotes.
Comment: This study involves interpretation of variants in research participants for the purpose of population health screening. Participant phenotype was not available at the time of variant classification. Additional details can be found in publication PMID: 35346344, PMCID: PMC8962531

Color Diagnostics, LLC DBA Color Health
Classification: Likely benign for Cardiomyopathy. Last evaluated: 2019-08-26. Review status: criteria provided, single submitter. Criteria: ACMG Guidelines, 2015. Collection method: clinical testing. Allele origin: germline.

GeneDx
Classification: Likely benign. Last evaluated: 2017-10-18. Review status: criteria provided, single submitter. Criteria: GeneDx Variant Classification (06012015). Collection method: clinical testing. Allele origin: germline. Affected: yes.
Comment: This variant is considered likely benign or benign based on one or more of the following criteria: it is a conservative change, it occurs at a poorly conserved position in the protein, it is predicted to be benign by multiple in silico algorithms, and/or has population frequency not consistent with disease.

NM_000256.3(MYBPC3):c.3801C>T (p.Arg1267=)

Gene: MYBPC3 (myosin binding protein C3; minus strand). Cytogenetic location: 11p11.2.
Variant type: single nucleotide variant.
Coding change: c.3801C>T on transcript NM_000256.3 (MANE Select); coding-DNA position 3801, C replaced by T.
Protein change: p.Arg1267=; no amino-acid change (arginine 1267 retained).
Molecular consequence: synonymous variant.
Genome position (GRCh38, 1-based): chr11:47,332,085, G>A on the plus strand (C>T on the coding strand, the complement: MYBPC3 is on the minus strand). VCF-style: chr11-47332085-G-A. GRCh37 (hg19) VCF-style: chr11-47353636-G-A.
Other names: c.3801C>T, p.Arg1267= (LRG_386t1).
Identifiers: ClinVar variation 512834 (VCV000512834.13), dbSNP rs541377415, ClinGen allele CA079552.